The following is an entry in ClinVar:

NM_001134363.3(RBM20):c.1669-131G>A

Gene: RBM20 (RNA binding motif protein 20; plus strand). Cytogenetic location: 10q25.2.
Variant type: single nucleotide variant.
Coding change: c.1669-131G>A on transcript NM_001134363.3 (MANE Select); 131 bases into the intron before coding-DNA position 1669, G replaced by A.
Molecular consequence: intron variant.
Genome position (GRCh38, 1-based): chr10:110,799,656, G>A. VCF-style: chr10-110799656-G-A. GRCh37 (hg19) VCF-style: chr10-112559414-G-A.
Identifiers: ClinVar variation 673082 (VCV000673082.1), dbSNP rs7086886, ClinGen allele CA13275072.

ClinVar aggregate classification (germline): Benign (1 of 4 stars; one submission).

Allele frequency attached by ClinVar (database versions not stated): 1000 Genomes Project 0.15954; 1000 Genomes Project 30x 0.16099; gnomAD exomes 0.18017; TOPMed 0.18646; gnomAD 0.18712 and 0.18979.
gnomAD v4.1: 154,384 of 849,436 alleles (18%); highest among the groups gnomAD compares: Middle Eastern, 24%; 14,676 homozygotes.

Submission:

GeneDx
Classification: Benign. Last evaluated: 2018-06-19. Review status: criteria provided, single submitter. Criteria: GeneDx Variant Classification (06012015). Collection method: clinical testing. Allele origin: germline. Affected: yes.
Comment: This variant is considered likely benign or benign based on one or more of the following criteria: it is a conservative change, it occurs at a poorly conserved position in the protein, it is predicted to be benign by multiple in silico algorithms, and/or has population frequency not consistent with disease.